The following is an entry in ClinVar:

NM_002693.3(POLG):c.1073del (p.Glu358fs)

Gene: POLG (DNA polymerase gamma, catalytic subunit; minus strand). Cytogenetic location: 15q26.1.
Variant type: Deletion.
Coding change: c.1073del on transcript NM_002693.3 (MANE Select); coding-DNA position 1073, one base deleted (A; older notation c.1073delA).
Protein change: p.Glu358fs; shifts the reading frame from glutamic acid 358.
Molecular consequence: frameshift variant.
Genome position (GRCh38, 1-based): chr15:89,328,782, T deleted on the plus strand (A on the coding strand, the reverse complement: POLG is on the minus strand). VCF-style (leftmost placement, unchanged base first): chr15-89328781-CT-C. GRCh37 (hg19) VCF-style: chr15-89872012-CT-C.
Other names: c.1073del, p.Glu358fs (NM_001126131.2); short protein forms E358fs.
Identifiers: ClinVar variation 596511 (VCV000596511.6), dbSNP rs763418954, ClinGen allele CA7724958.

ClinVar aggregate classification (germline): Pathogenic. Review status: criteria provided, multiple submitters, no conflicts (2 of 4 stars). 2 submissions from 2 submitters: Pathogenic (2). Last evaluated 2024-05-09.

Conditions:
POLG-related disorder. Also called: POLG-related condition; POLG-Related Disorders; POLG-Related Spectrum Disorders. Identifiers: MedGen C4763519.

Allele frequency attached by ClinVar (database versions not stated): gnomAD exomes 0.00001 and below 0.00001; ExAC 0.00001.

Submissions (2):

Myriad Genetics, Inc.
Classification: Pathogenic for POLG-related disorder. Last evaluated: 2024-05-09. Review status: criteria provided, single submitter. Criteria: Myriad Autosomal Dominant, Autosomal Recessive and X-Linked Classification Criteria (2023). Collection method: clinical testing. Allele origin: unknown.
Comment: NM_002693.2(POLG):c.1073delA(E358Gfs*7) is expected to be pathogenic in the context of POLG-related disorders. This variant is predicted to lead to an abnormal or absent protein product due to the creation of a premature termination codon in POLG, a gene where loss-of-function variants are known to be pathogenic. Please note: this variant was assessed in the context of healthy population screening.

Eurofins Ntd Llc (ga)
Classification: Pathogenic. Last evaluated: 2018-03-13. Review status: criteria provided, single submitter. Criteria: EGL ClinVar v180209 classification definitions. Collection method: clinical testing. Allele origin: germline.